The following is an entry in ClinVar:

NM_001165963.4(SCN1A):c.5624_5630del (p.Val1875fs)

Genes: SCN1A (sodium voltage-gated channel alpha subunit 1; minus strand), LOC102724058 (uncharacterized LOC102724058; plus strand). Cytogenetic location: 2q24.3.
Variant type: Deletion.
Coding change: c.5624_5630del on transcript NM_001165963.4 (MANE Select); coding-DNA positions 5624 to 5630, 7 bases deleted (TTCTAGG; older notation c.5624_5630delTTCTAGG).
Protein change: p.Val1875fs; shifts the reading frame from valine 1875.
Molecular consequence: frameshift variant. On other transcripts: non-coding transcript variant (1).
Genome position (GRCh38, 1-based): chr2:165,991,645-165,991,651, CCTAGAA deleted on the plus strand (TTCTAGG on the coding strand, the reverse complement: SCN1A is on the minus strand); deleting any 7 consecutive bases within chr2:165,991,645-165,991,653 gives the same sequence; the c. name uses the placement nearest the transcript's 3' end. VCF-style (leftmost placement, unchanged base first): chr2-165991644-TCCTAGAA-T. GRCh37 (hg19) VCF-style: chr2-166848154-TCCTAGAA-T.
Other names: c.5540_5546del, p.Val1847fs (NM_001165964.3, NM_001353957.2, NM_001353958.2); c.5624_5630del, p.Val1875fs (NM_001202435.3, NM_001353948.2); c.5591_5597del, p.Val1864fs (NM_001353949.2, NM_001353950.2, NM_001353951.2 and 2 more transcripts); c.5588_5594del, p.Val1863fs (NM_001353954.2, NM_001353955.2); c.5537_5543del, p.Val1846fs (NM_001353960.2); c.3182_3188del, p.Val1061fs (NM_001353961.2); c.5624_5630delTTCTAGG (NM_001165963.4); short protein forms V1061fs, V1846fs, V1847fs, V1863fs, V1864fs, V1875fs.
Identifiers: ClinVar variation 1174162 (VCV001174162.2), dbSNP rs2105425236, ClinGen allele CA2499215165.
Genomic context (GRCh38, chr2:165,991,644, plus strand): 5'-ATTGGAAGCCATGAATCGCTCTTCCATCTGTATTCGTAGAGCATCCATCTCTCCACTCTC[TCCTAGAA>T]CCCGCTTTGTAAAAGCAAATAAGATATCAAGACAGTGGATCCGGTCACCACTCACCATGG-3'

ClinVar aggregate classification (germline): Likely pathogenic (1 of 4 stars; one submission).

Conditions:
Generalized epilepsy with febrile seizures plus, type 2 (GEFSP2). Also called: GEFS+, TYPE 2. Identifiers: Orphanet 36387, MedGen C1858673, MONDO:0011461, OMIM 604403.

Submission:

Lifecell International Pvt. Ltd
Classification: Likely pathogenic for Generalized epilepsy with febrile seizures plus, type 2. Review status: criteria provided, single submitter. Criteria: ACMG Guidelines 2015. Collection method: clinical testing. Allele origin: germline. Inheritance: Autosomal dominant inheritance. Affected: yes. Observed: 1 variant allele, 1 heterozygote.
Comment: A heterozygous 7-base deletion in exon 29 of the SCN1A gene (c.5624_5630delTTCTAGG) that results in a frameshift and premature truncation of the protein 34 amino acids downstream to codon 1875 (p.Val1875GlufsTer34) was detected. This frameshift variant is not reported in both the 1000 genomes and gnomAD databases. This variant is predicted to be damaging by Mutation taster and the region is conserved across species. The gene SCN1A has a low rate of benign loss of function variants as indicated by a high LoF variants Z-Score of 7.90. This variant is a loss of function variant in the gene, which is intolerant of Loss of Function variants, as indicated by the presence of existing pathogenic loss of function variant NP_001159435.1:p.Met1Ile and 345 others. There are 11 downstream pathogenic loss of function variants, with the furthest variant being 51 residues downstream of the observed variant. Based on the above evidence this variant has been classified as Likely pathogenic according to the ACMG guidelines.